The following is an entry in ClinVar:

ClinVar aggregate classification (germline): Uncertain significance. Review status: criteria provided, multiple submitters, no conflicts (2 of 4 stars). 3 submissions from 3 submitters: Uncertain significance (3). Last evaluated 2024-05-26.

Conditions:
Inborn genetic diseases. Identifiers: MedGen C0950123, MeSH D030342.
Van Maldergem syndrome 2 (VMLDS2). Identifiers: Orphanet 314679, MedGen C3809875, MONDO:0014242, OMIM 615546.
Hennekam lymphangiectasia-lymphedema syndrome 2 (HKLLS2). Identifiers: Orphanet 2136, MedGen C4014939, MONDO:0014454, OMIM 616006.

Allele frequency attached by ClinVar (database versions not stated): TOPMed below 0.00001; gnomAD 0.00001; gnomAD exomes 0.00001; ExAC 0.00002; 1000 Genomes Project 30x 0.00016; 1000 Genomes Project 0.00020.

Submissions (3):

Ambry Genetics
Classification: Uncertain significance for Inborn genetic diseases. Last evaluated: 2024-05-26. Review status: criteria provided, single submitter. Criteria: Ambry Variant Classification Scheme 2023. Collection method: clinical testing. Allele origin: germline.

Fulgent Genetics
Classification: Uncertain significance for Van Maldergem syndrome 2; Hennekam lymphangiectasia-lymphedema syndrome 2. Last evaluated: 2024-03-27. Review status: criteria provided, single submitter. Criteria: ACMG Guidelines, 2015. Collection method: clinical testing. Allele origin: germline.

Labcorp Genetics (formerly Invitae), Labcorp
Classification: Uncertain significance. Last evaluated: 2022-10-25. Review status: criteria provided, single submitter. Criteria: Invitae Variant Classification Sherloc (09022015). Collection method: clinical testing. Allele origin: germline.
Comment: This sequence change replaces glutamic acid, which is acidic and polar, with alanine, which is neutral and non-polar, at codon 2883 of the FAT4 protein (p.Glu2883Ala). This variant is present in population databases (rs537886359, gnomAD 0.05%). This variant has not been reported in the literature in individuals affected with FAT4-related conditions. Advanced modeling of protein sequence and biophysical properties (such as structural, functional, and spatial information, amino acid conservation, physicochemical variation, residue mobility, and thermodynamic stability) performed at Invitae indicates that this missense variant is expected to disrupt FAT4 protein function. In summary, the available evidence is currently insufficient to determine the role of this variant in disease. Therefore, it has been classified as a Variant of Uncertain Significance.

NM_001291303.3(FAT4):c.8654A>C (p.Glu2885Ala)

Gene: FAT4 (FAT atypical cadherin 4; plus strand). Cytogenetic location: 4q28.1.
Variant type: single nucleotide variant.
Coding change: c.8654A>C on transcript NM_001291303.3 (MANE Select); coding-DNA position 8654, A replaced by C.
Protein change: p.Glu2885Ala; replaces glutamic acid 2885 with alanine.
Molecular consequence: missense variant.
Genome position (GRCh38, 1-based): chr4:125,449,664, A>C. VCF-style: chr4-125449664-A-C. GRCh37 (hg19) VCF-style: chr4-126370819-A-C.
Other names: c.8654A>C, p.Glu2885Ala (NM_001291285.3); c.8648A>C, p.Glu2883Ala (NM_024582.6); c.8648A>C (NM_024582.4, NM_024582.5); short protein forms E2883A, E2885A.
Identifiers: ClinVar variation 1910129 (VCV001910129.4), dbSNP rs537886359, ClinGen allele CA3073407.
Genomic context (GRCh38, chr4:125,449,664, plus strand): 5'-CAGACATCAATGACAATGCTCCAAGATTTAGCAGAACTTCCTATTATTTAGATTGCCCTG[A>C]ACTTACTGAGATTGGCTCCAAAGTAACTCAGGTATTTGCAACAGATCCTGATGAGGGATC-3'
Protein context (NP_001278232.1, residues 2875-2895): SRTSYYLDCP[Glu2885Ala]LTEIGSKVTQ